The following is an entry in ClinVar:

NM_000444.6(PHEX):c.1621T>G (p.Tyr541Asp)

Gene: PHEX (phosphate regulating endopeptidase X-linked; plus strand). Cytogenetic location: Xp22.11.
Variant type: single nucleotide variant.
Coding change: c.1621T>G on transcript NM_000444.6 (MANE Select); coding-DNA position 1621, T replaced by G.
Protein change: p.Tyr541Asp; replaces tyrosine 541 with aspartic acid.
Molecular consequence: missense variant.
Genome position (GRCh38, 1-based): chrX:22,190,478, T>G. VCF-style: chrX-22190478-T-G. GRCh37 (hg19) VCF-style: chrX-22208595-T-G.
Other names: c.1621T>G, p.Tyr541Asp (NM_001282754.2); short protein forms Y541D.
Identifiers: ClinVar variation 1487220 (VCV001487220.8), dbSNP rs2147139089, ClinGen allele CA412575096.

ClinVar aggregate classification (germline): Pathogenic (1 of 4 stars; one submission).

Submission:

Labcorp Genetics (formerly Invitae), Labcorp
Classification: Pathogenic. Last evaluated: 2023-07-07. Review status: criteria provided, single submitter. Criteria: Invitae Variant Classification Sherloc (09022015). Collection method: clinical testing. Allele origin: germline.
Comment: This sequence change replaces tyrosine, which is neutral and polar, with aspartic acid, which is acidic and polar, at codon 541 of the PHEX protein (p.Tyr541Asp). This variant is not present in population databases (gnomAD no frequency). This missense change has been observed in individual(s) with X-linked hypophosphatemia (Invitae). ClinVar contains an entry for this variant (Variation ID: 1487220). Advanced modeling of protein sequence and biophysical properties (such as structural, functional, and spatial information, amino acid conservation, physicochemical variation, residue mobility, and thermodynamic stability) performed at Invitae indicates that this missense variant is expected to disrupt PHEX protein function. For these reasons, this variant has been classified as Pathogenic.